The following is an entry in ClinVar:

NM_001379286.1(ZNF423):c.3286C>G (p.Pro1096Ala)

Gene: ZNF423 (zinc finger protein 423; minus strand). Cytogenetic location: 16q12.1.
Variant type: single nucleotide variant.
Coding change: c.3286C>G on transcript NM_001379286.1 (MANE Select); coding-DNA position 3286, C replaced by G.
Protein change: p.Pro1096Ala; replaces proline 1096 with alanine.
Molecular consequence: missense variant.
Genome position (GRCh38, 1-based): chr16:49,635,890, G>C on the plus strand (C>G on the coding strand, the complement: ZNF423 is on the minus strand). VCF-style: chr16-49635890-G-C. GRCh37 (hg19) VCF-style: chr16-49669801-G-C.
Other names: c.3082C>G, p.Pro1028Ala (NM_001271620.2); c.2911C>G, p.Pro971Ala (NM_001330533.2); c.3262C>G, p.Pro1088Ala (NM_015069.5); c.3262C>G (NM_015069.2); short protein forms P1028A, P1088A, P1096A, P971A.
Identifiers: ClinVar variation 1010566 (VCV001010566.7), dbSNP rs765925395, ClinGen allele CA8046348.

ClinVar aggregate classification (germline): Uncertain significance. Review status: criteria provided, multiple submitters, no conflicts (2 of 4 stars). 2 submissions from 2 submitters: Uncertain significance (2). Last evaluated 2026-01-26.

Conditions:
Nephronophthisis 14 (NPHP14). Identifiers: Orphanet 2318, MedGen C3539071, MONDO:0013916, OMIM 614844.

Allele frequency attached by ClinVar (database versions not stated): gnomAD 0.00001; gnomAD exomes 0.00003 and 0.00016; TOPMed 0.00012; ExAC 0.00016.
gnomAD v4.1: 42 of 1,582,858 alleles (0.0027%); highest among the groups gnomAD compares: Admixed American, 0.074%; no homozygotes.

Submissions (2):

Labcorp Genetics (formerly Invitae), Labcorp
Classification: Uncertain significance for Nephronophthisis 14. Last evaluated: 2026-01-26. Review status: criteria provided, single submitter. Criteria: Invitae Variant Classification Sherloc (09022015). Collection method: clinical testing. Allele origin: germline.
Comment: This sequence change replaces proline, which is neutral and non-polar, with alanine, which is neutral and non-polar, at codon 1088 of the ZNF423 protein (p.Pro1088Ala). This variant is present in population databases (rs765925395, gnomAD 0.1%). This variant has not been reported in the literature in individuals affected with ZNF423-related conditions. ClinVar contains an entry for this variant (Variation ID: 1010566). Invitae Evidence Modeling of protein sequence and biophysical properties (such as structural, functional, and spatial information, amino acid conservation, physicochemical variation, residue mobility, and thermodynamic stability) indicates that this missense variant is not expected to disrupt ZNF423 protein function with a negative predictive value of 80%. In summary, the available evidence is currently insufficient to determine the role of this variant in disease. Therefore, it has been classified as a Variant of Uncertain Significance.

Ambry Genetics
Classification: Uncertain significance. Last evaluated: 2025-04-16. Review status: criteria provided, single submitter. Criteria: Ambry Variant Classification Scheme 2023. Collection method: clinical testing. Allele origin: germline.